The following is an entry in ClinVar:

NM_002662.5(PLD1):c.3094C>T (p.Arg1032Ter)

Gene: PLD1 (phospholipase D1; minus strand). Cytogenetic location: 3q26.31.
Variant type: single nucleotide variant.
Coding change: c.3094C>T on transcript NM_002662.5 (MANE Select); coding-DNA position 3094, C replaced by T.
Protein change: p.Arg1032Ter; replaces arginine 1032 with a stop codon.
Molecular consequence: nonsense.
Genome position (GRCh38, 1-based): chr3:171,603,209, G>A on the plus strand (C>T on the coding strand, the complement: PLD1 is on the minus strand). VCF-style: chr3-171603209-G-A. GRCh37 (hg19) VCF-style: chr3-171320999-G-A.
Other names: c.3094C>T (NM_002662.4); c.2980C>T, p.Arg994Ter (NM_001130081.3); short protein forms R1032*, R994*.
Identifiers: ClinVar variation 2582575 (VCV002582575.5), dbSNP rs746291174, ClinGen allele CA2704016.

ClinVar aggregate classification (germline): Conflicting classifications of pathogenicity. Review status: criteria provided, conflicting classifications (1 of 4 stars). 4 submissions from 4 submitters: Likely pathogenic (2); Uncertain significance (2). Last evaluated 2023-04-27.

Conditions:
Cardiac valvular defect, developmental (CVDP1). Also called: CARDIAC VALVULAR DYSPLASIA 1. Identifiers: MedGen C5774175, MONDO:0008913, OMIM 212093.
PLD1-related disorder. Also called: PLD1-related condition.

Allele frequency attached by ClinVar (database versions not stated): gnomAD 0.00001; gnomAD exomes 0.00001; TOPMed 0.00001; ExAC 0.00002.
gnomAD v4.1: 16 of 1,613,856 alleles (0.00099%); highest among the groups gnomAD compares: Non-Finnish European, 0.0012%; no homozygotes.

Submissions (4):

GeneDx
Classification: Uncertain significance. Last evaluated: 2023-04-27. Review status: criteria provided, single submitter. Criteria: GeneDx Variant Classification Process June 2021. Collection method: clinical testing. Allele origin: germline. Affected: yes.
Comment: Not observed at significant frequency in large population cohorts (gnomAD); Nonsense variant predicted to result in protein truncation as the last 43 amino acids are lost, although loss-of-function variants have not been reported downstream of this position in the protein; Has not been previously published as pathogenic or benign to our knowledge

Baylor Genetics
Classification: Likely pathogenic for Cardiac valvular defect, developmental. Last evaluated: 2023-01-29. Review status: criteria provided, single submitter. Criteria: ACMG Guidelines, 2015. Collection method: clinical testing. Allele origin: unknown.

Blueprint Genetics
Classification: Likely pathogenic for PLD1-related disorders. Last evaluated: 2021-09-03. Review status: criteria provided, single submitter. Criteria: ACMG Guidelines, 2015. Collection method: clinical testing. Allele origin: germline. Affected: yes. Observed: 5 variant alleles.

Juno Genomics, Hangzhou Juno Genomics, Inc
Classification: Uncertain significance for Cardiac valvular defect, developmental. Review status: criteria provided, single submitter. Criteria: ACMG Guidelines, 2015. Collection method: clinical testing. Allele origin: germline.
Comment: Null variant in a gene where loss of function (LOF) is a known mechanism of disease.;Absent from controls (or at extremely low frequency if recessive) in Genome Aggregation Database.